The following is an entry in ClinVar:

NM_000045.4(ARG1):c.709G>C (p.Asp237His)

Genes: ARG1 (arginase 1; plus strand), MED23 (mediator complex subunit 23; minus strand). Cytogenetic location: 6q23.2.
Variant type: single nucleotide variant.
Coding change: c.709G>C on transcript NM_000045.4 (MANE Select); coding-DNA position 709, G replaced by C.
Protein change: p.Asp237His; replaces aspartic acid 237 with histidine.
Molecular consequence: missense variant. On other transcripts: non-coding transcript variant (1), intron variant (2).
Genome position (GRCh38, 1-based): chr6:131,583,398, G>C. VCF-style: chr6-131583398-G-C. GRCh37 (hg19) VCF-style: chr6-131904538-G-C.
Other names: c.733G>C, p.Asp245His (NM_001244438.2); c.454G>C, p.Asp152His (NM_001369020.1); c.4077+4311C>G (NM_001270521.2); c.4095+4311C>G (NM_015979.4); short protein forms D152H, D237H, D245H.
Identifiers: ClinVar variation 1021200 (VCV001021200.10), dbSNP rs764273304, ClinGen allele CA3999349.
Genomic context (GRCh38, chr6:131,583,398, plus strand): 5'-TTCCCACTTCTTAAAAGAAAGAAAAGGCCAATTCATCTAAGTTTTGATGTTGACGGACTG[G>C]ACCCATCTTTCACACCAGCTACTGGCACACCAGTCGTGGGAGGTCTGACATACAGAGAAG-3'
Protein context (NP_000036.2, residues 227-247): IHLSFDVDGL[Asp237His]PSFTPATGTP

ClinVar aggregate classification (germline): Uncertain significance. Review status: criteria provided, multiple submitters, no conflicts (2 of 4 stars). 2 submissions from 2 submitters: Uncertain significance (2). Last evaluated 2024-07-17.

Conditions:
Arginase deficiency. Also called: ARGININEMIA; ARG1 DEFICIENCY; Arginase 1 Deficiency. Identifiers: Orphanet 90, MedGen C0268548, MONDO:0008814, OMIM 207800.

Allele frequency attached by ClinVar (database versions not stated): ExAC 0.00001.
gnomAD v4.1: 4 of 1,614,146 alleles (0.00025%); highest among the groups gnomAD compares: East Asian, 0.0022%; no homozygotes.

Submissions (2):

Women's Health and Genetics/Laboratory Corporation of America, LabCorp
Classification: Uncertain significance. Last evaluated: 2024-07-17. Review status: criteria provided, single submitter. Criteria: LabCorp Variant Classification Summary - May 2015. Collection method: clinical testing. Allele origin: germline.

Labcorp Genetics (formerly Invitae), Labcorp
Classification: Uncertain significance for Arginase deficiency. Last evaluated: 2020-10-19. Review status: criteria provided, single submitter. Criteria: Invitae Variant Classification Sherloc (09022015). Collection method: clinical testing. Allele origin: germline.
Comment: This sequence change replaces aspartic acid with histidine at codon 237 of the ARG1 protein (p.Asp237His). The aspartic acid residue is highly conserved and there is a moderate physicochemical difference between aspartic acid and histidine. The frequency data for this variant in the population databases is considered unreliable, as metrics indicate poor data quality at this position in the ExAC database. This variant has not been reported in the literature in individuals with ARG1-related conditions. Algorithms developed to predict the effect of missense changes on protein structure and function (SIFT, PolyPhen-2, Align-GVGD) all suggest that this variant is likely to be disruptive, but these predictions have not been confirmed by published functional studies and their clinical significance is uncertain. In summary, the available evidence is currently insufficient to determine the role of this variant in disease. Therefore, it has been classified as a Variant of Uncertain Significance.